The following is an entry in ClinVar:

NM_002473.6(MYH9):c.4946A>G (p.Asp1649Gly)

Gene: MYH9 (myosin heavy chain 9; minus strand). Cytogenetic location: 22q12.3.
Variant type: single nucleotide variant.
Coding change: c.4946A>G on transcript NM_002473.6 (MANE Select); coding-DNA position 4946, A replaced by G.
Protein change: p.Asp1649Gly; replaces aspartic acid 1649 with glycine.
Molecular consequence: missense variant.
Genome position (GRCh38, 1-based): chr22:36,286,833, T>C on the plus strand (A>G on the coding strand, the complement: MYH9 is on the minus strand). VCF-style: chr22-36286833-T-C. GRCh37 (hg19) VCF-style: chr22-36682879-T-C.
Other names: short protein forms D1649G.
Identifiers: ClinVar variation 623102 (VCV000623102.4), dbSNP rs1603482754, ClinGen allele CA411374605.
Genomic context (GRCh38, chr22:36,286,833, plus strand): 5'-TTGGCCTGGGCCAGGATCTCCTCACGAGAGGCGCGGGTGTCATCCAGCTCGCGCATGCAG[T>C]CCTTCATCTGGGCCTGGGGTGGGGACAGAGGCTTGGCACCCCACCCAGCTCCTTGGCCCT-3'
Protein context (NP_002464.1, residues 1639-1659): QLRKLQAQMK[Asp1649Gly]CMRELDDTRA

ClinVar aggregate classification (germline): Uncertain significance. Review status: criteria provided, single submitter (1 of 4 stars). 2 submissions from 1 submitter: Uncertain significance (2). Last evaluated 2019-02-01.

Conditions:
MYH9-related disorder. Identifiers: MedGen C1854520.
Thrombocytopenia. Identifiers: MedGen C0040034, MeSH D013921, MONDO:0002049, HP:0001873.

Allele frequency attached by ClinVar (database versions not stated): gnomAD exomes 0.00001.
gnomAD v4.1: 7 of 1,608,642 alleles (0.00044%); highest among the groups gnomAD compares: Non-Finnish European, 0.00059%; no homozygotes.

Submissions (2):

NIHR Bioresource Rare Diseases, University of Cambridge
Classification: Uncertain significance for Thrombocytopenia. Last evaluated: 2019-02-01. Review status: criteria provided, single submitter. Criteria: ACMG Guidelines, 2015. Collection method: research. Allele origin: unknown. Affected: yes. Observed: 1 compound heterozygote. Study: ThromboGenomics.

NIHR Bioresource Rare Diseases, University of Cambridge
Classification: Uncertain significance for MYH9-related disorder. Last evaluated: 2018-12-12. Review status: criteria provided, single submitter. Criteria: ACMG Guidelines, 2015. Collection method: research. Allele origin: unknown. Affected: yes. Observed: 1 variant allele.
Comment: PM2, PP3, PP1

Literature cited by the submitters: PubMed 31064749.